The following is an entry in ClinVar:

NM_006739.4(MCM5):c.529A>C (p.Asn177His)

Gene: MCM5 (minichromosome maintenance complex component 5; plus strand). Cytogenetic location: 22q12.3.
Variant type: single nucleotide variant.
Coding change: c.529A>C on transcript NM_006739.4 (MANE Select); coding-DNA position 529, A replaced by C.
Protein change: p.Asn177His; replaces asparagine 177 with histidine.
Molecular consequence: missense variant.
Genome position (GRCh38, 1-based): chr22:35,406,658, A>C. VCF-style: chr22-35406658-A-C. GRCh37 (hg19) VCF-style: chr22-35802651-A-C.
Other names: short protein forms N177H.
Identifiers: ClinVar variation 2821004 (VCV002821004.3), dbSNP rs1932226903, ClinGen allele CA411362419.
Genomic context (GRCh38, chr22:35,406,658, plus strand): 5'-GCGGCCTCTGCGGTCCGTGCCAAGGCCACCCGCATCTCTATCCAGTGCCGCAGCTGCCGC[A>C]ACACCCTCACCAACATTGCCATGCGCCCTGGCCTCGAGGGCTATGCCCTGCCCAGGAAGT-3'
Protein context (NP_006730.2, residues 167-187): RISIQCRSCR[Asn177His]TLTNIAMRPG

ClinVar aggregate classification (germline): Uncertain significance (1 of 4 stars; one submission).

Allele frequency attached by ClinVar (database versions not stated): TOPMed below 0.00001; gnomAD 0.00001.
gnomAD v4.1: 1 of 1,612,246 alleles (0.000062%); highest among the groups gnomAD compares: Non-Finnish European, 0.000085%; no homozygotes.

Submission:

Labcorp Genetics (formerly Invitae), Labcorp
Classification: Uncertain significance. Last evaluated: 2024-08-18. Review status: criteria provided, single submitter. Criteria: Invitae Variant Classification Sherloc (09022015). Collection method: clinical testing. Allele origin: germline.
Comment: This sequence change replaces asparagine, which is neutral and polar, with histidine, which is basic and polar, at codon 177 of the MCM5 protein (p.Asn177His). This variant is not present in population databases (gnomAD no frequency). This variant has not been reported in the literature in individuals affected with MCM5-related conditions. Invitae Evidence Modeling of protein sequence and biophysical properties (such as structural, functional, and spatial information, amino acid conservation, physicochemical variation, residue mobility, and thermodynamic stability) indicates that this missense variant is not expected to disrupt MCM5 protein function with a negative predictive value of 80%. In summary, the available evidence is currently insufficient to determine the role of this variant in disease. Therefore, it has been classified as a Variant of Uncertain Significance.